The following is an entry in ClinVar:

ClinVar aggregate classification (germline): Uncertain significance. Review status: criteria provided, multiple submitters, no conflicts (2 of 4 stars). 2 submissions from 2 submitters: Uncertain significance (2). Last evaluated 2025-06-15.

Conditions:
Encephalopathy, acute, infection-induced (herpes-specific), susceptibility to, 1. Also called: Herpes simplex encephalitis, susceptibility to, 1. Identifiers: Orphanet 1930, MedGen C2750180, MONDO:0024563, OMIM 610551.

gnomAD v4.1: 486 of 1,613,818 alleles (0.03%); highest among the groups gnomAD compares: Non-Finnish European, 0.039%; 1 homozygote.

Submissions (2):

Labcorp Genetics (formerly Invitae), Labcorp
Classification: Uncertain significance for Encephalopathy, acute, infection-induced (herpes-specific), susceptibility to, 1. Last evaluated: 2025-06-15. Review status: criteria provided, single submitter. Criteria: Invitae Variant Classification Sherloc (09022015). Collection method: clinical testing. Allele origin: germline.
Comment: This sequence change replaces leucine, which is neutral and non-polar, with valine, which is neutral and non-polar, at codon 412 of the TLR3 protein (p.Leu412Val). This variant is present in population databases (rs3775291, gnomAD 0.02%). This variant has not been reported in the literature in individuals affected with TLR3-related conditions. ClinVar contains an entry for this variant (Variation ID: 656784). An algorithm developed to predict the effect of missense changes on protein structure and function (PolyPhen-2) suggests that this variant is likely to be disruptive. In summary, the available evidence is currently insufficient to determine the role of this variant in disease. Therefore, it has been classified as a Variant of Uncertain Significance.

Blueprint Genetics
Classification: Uncertain significance. Last evaluated: 2024-03-26. Review status: criteria provided, single submitter. Criteria: ACMG Guidelines, 2015. Collection method: clinical testing. Allele origin: germline.

NM_003265.3(TLR3):c.1234C>G (p.Leu412Val)

Gene: TLR3 (toll like receptor 3; plus strand). Cytogenetic location: 4q35.1.
Variant type: single nucleotide variant.
Coding change: c.1234C>G on transcript NM_003265.3 (MANE Select); coding-DNA position 1234, C replaced by G.
Protein change: p.Leu412Val; replaces leucine 412 with valine.
Molecular consequence: missense variant.
Genome position (GRCh38, 1-based): chr4:186,082,920, C>G. VCF-style: chr4-186082920-C-G. GRCh37 (hg19) VCF-style: chr4-187004074-C-G.
Other names: short protein forms L412V.
Identifiers: ClinVar variation 656784 (VCV000656784.10), dbSNP rs3775291, ClinGen allele CA3161378.